The following is an entry in ClinVar:

NM_004360.5(CDH1):c.1416C>A (p.Thr472=)

Gene: CDH1 (cadherin 1; plus strand). Cytogenetic location: 16q22.1.
Variant type: single nucleotide variant.
Coding change: c.1416C>A on transcript NM_004360.5 (MANE Select); coding-DNA position 1416, C replaced by A.
Protein change: p.Thr472=; no amino-acid change (threonine 472 retained).
Molecular consequence: synonymous variant. On other transcripts: 5 prime UTR variant (2).
Genome position (GRCh38, 1-based): chr16:68,815,610, C>A. VCF-style: chr16-68815610-C-A. GRCh37 (hg19) VCF-style: chr16-68849513-C-A.
Other names: c.1416C>A (LRG_301t1, NM_004360.4); c.1233C>A, p.Thr411= (NM_001317184.2); c.-133C>A (NM_001317185.2); c.-404C>A (NM_001317186.2).
Identifiers: ClinVar variation 239879 (VCV000239879.16), dbSNP rs139937234, ClinGen allele CA8130076.
Genomic context (GRCh38, chr16:68,815,610, plus strand): 5'-ACACGTAGCAGTGACGAATGTGGTACCTTTTGAGGTCTCTCTCACCACCTCCACAGCCAC[C>A]GTCACCGTGGATGTGCTGGATGTGAATGAAGCCCCCATCTTTGTGCCTCCTGAAAAGAGA-3'
Protein context (NP_004351.1, residues 462-482): FEVSLTTSTA[Thr472=]VTVDVLDVNE

ClinVar aggregate classification (germline): Benign/Likely benign. Review status: criteria provided, multiple submitters, no conflicts (2 of 4 stars). 6 submissions from 6 submitters: Benign (2); Likely benign (4). Last evaluated 2025-09-20.

Conditions:
Hereditary cancer-predisposing syndrome. Also called: Neoplastic Syndromes, Hereditary; Tumor predisposition; Hereditary neoplastic syndrome; Hereditary Cancer Syndrome. Identifiers: Orphanet 140162, MedGen C0027672, MeSH D009386, MONDO:0015356.
Hereditary diffuse gastric adenocarcinoma (HDGC). Also called: DIFFUSE GASTRIC AND LOBULAR BREAST CANCER SYNDROME. Identifiers: Orphanet 26106, MedGen C1708349, MONDO:0007648, OMIM 137215.

Allele frequency attached by ClinVar (database versions not stated): gnomAD exomes below 0.00001; ExAC 0.00001; TOPMed 0.00003; gnomAD 0.00006.
gnomAD v4.1: 3 of 1,614,076 alleles (0.00019%); highest among the groups gnomAD compares: African/African-American, 0.004%; no homozygotes.

Submissions (6):

Labcorp Genetics (formerly Invitae), Labcorp
Classification: Likely benign for Hereditary diffuse gastric adenocarcinoma. Last evaluated: 2025-09-20. Review status: criteria provided, single submitter. Criteria: Invitae Variant Classification Sherloc (09022015). Collection method: clinical testing. Allele origin: germline.

Myriad Genetics, Inc.
Classification: Benign for Hereditary diffuse gastric adenocarcinoma. Last evaluated: 2024-09-18. Review status: criteria provided, single submitter. Criteria: Myriad Autosomal Dominant, Autosomal Recessive and X-Linked Classification Criteria (2023). Collection method: clinical testing. Allele origin: unknown.
Comment: This variant is considered benign. This variant is a silent/synonymous amino acid change and it is not expected to impact splicing.

Quest Diagnostics Nichols Institute San Juan Capistrano
Classification: Benign. Last evaluated: 2022-11-11. Review status: criteria provided, single submitter. Criteria: Quest Diagnostics criteria. Collection method: clinical testing. Allele origin: unknown.

Color Diagnostics, LLC DBA Color Health
Classification: Likely benign for Hereditary cancer-predisposing syndrome. Last evaluated: 2022-06-20. Review status: criteria provided, single submitter. Criteria: ACMG Guidelines, 2015. Collection method: clinical testing. Allele origin: germline.

GeneDx
Classification: Likely benign. Last evaluated: 2018-02-23. Review status: criteria provided, single submitter. Criteria: GeneDx Variant Classification (06012015). Collection method: clinical testing. Allele origin: germline. Affected: yes.
Comment: This variant is considered likely benign or benign based on one or more of the following criteria: it is a conservative change, it occurs at a poorly conserved position in the protein, it is predicted to be benign by multiple in silico algorithms, and/or has population frequency not consistent with disease.

Ambry Genetics
Classification: Likely benign for Hereditary cancer-predisposing syndrome. Last evaluated: 2016-12-12. Review status: criteria provided, single submitter. Criteria: Ambry Variant Classification Scheme 2023. Collection method: clinical testing. Allele origin: germline.

Literature cited by the submitters: PubMed 24204729 (cited by Ambry Genetics).